The following is an entry in ClinVar:

ClinVar aggregate classification (germline): Uncertain significance. Review status: criteria provided, multiple submitters, no conflicts (2 of 4 stars). 2 submissions from 2 submitters: Uncertain significance (2). Last evaluated 2025-09-23.

Conditions:
Nephronophthisis 15 (NPHP15). Identifiers: Orphanet 3156, MedGen C3541853, MONDO:0013917, OMIM 614845.
CEP164-related disorder. Also called: CEP164-related condition.

Allele frequency attached by ClinVar (database versions not stated): 1000 Genomes Project 0.00040; gnomAD 0.00001 and 0.00003; ExAC 0.00002; TOPMed 0.00003; gnomAD exomes 0.00004; 1000 Genomes Project 30x 0.00031.
gnomAD v4.1: 67 of 1,614,148 alleles (0.0042%); highest among the groups gnomAD compares: Admixed American, 0.012%; no homozygotes.

Submissions (2):

PreventionGenetics, part of Exact Sciences
Classification: Uncertain significance for CEP164-related condition. Last evaluated: 2025-09-23. Review status: criteria provided, single submitter. Criteria: ACMG Guidelines, 2015. Collection method: clinical testing. Allele origin: germline.
Comment: The CEP164 c.4211C>T variant is predicted to result in the amino acid substitution p.Ala1404Val. To our knowledge, this variant has not been reported in the literature. This variant is reported in 0.012% of alleles in individuals of Latino descent in gnomAD. At this time, the clinical significance of this variant is uncertain due to the absence of conclusive functional and genetic evidence.

Labcorp Genetics (formerly Invitae), Labcorp
Classification: Uncertain significance for Nephronophthisis 15. Last evaluated: 2022-10-24. Review status: criteria provided, single submitter. Criteria: Invitae Variant Classification Sherloc (09022015). Collection method: clinical testing. Allele origin: germline.
Comment: This sequence change replaces alanine, which is neutral and non-polar, with valine, which is neutral and non-polar, at codon 1404 of the CEP164 protein (p.Ala1404Val). This variant is present in population databases (rs191488031, gnomAD 0.01%). This variant has not been reported in the literature in individuals affected with CEP164-related conditions. ClinVar contains an entry for this variant (Variation ID: 840359). Advanced modeling of protein sequence and biophysical properties (such as structural, functional, and spatial information, amino acid conservation, physicochemical variation, residue mobility, and thermodynamic stability) performed at Invitae indicates that this missense variant is not expected to disrupt CEP164 protein function. In summary, the available evidence is currently insufficient to determine the role of this variant in disease. Therefore, it has been classified as a Variant of Uncertain Significance.

NM_014956.5(CEP164):c.4211C>T (p.Ala1404Val)

Gene: CEP164 (centrosomal protein 164; plus strand). Cytogenetic location: 11q23.3.
Variant type: single nucleotide variant.
Coding change: c.4211C>T on transcript NM_014956.5 (MANE Select); coding-DNA position 4211, C replaced by T.
Protein change: p.Ala1404Val; replaces alanine 1404 with valine.
Molecular consequence: missense variant.
Genome position (GRCh38, 1-based): chr11:117,411,842, C>T. VCF-style: chr11-117411842-C-T. GRCh37 (hg19) VCF-style: chr11-117282558-C-T.
Other names: c.4196C>T, p.Ala1399Val (NM_001271933.2); short protein forms A1399V, A1404V.
Identifiers: ClinVar variation 840359 (VCV000840359.6), dbSNP rs191488031, ClinGen allele CA6295757.
Genomic context (GRCh38, chr11:117,411,842, plus strand): 5'-TCTTCCTTCCCAGTGAGCAGCTCCGGCTCCTACAGCACTCCCATTCGCAAGTCCCTGAGG[C>T]GGGCAGCACCACCTTTCAGGGCATAATTGAGGCCAACCGGAGGTGGCTGGAACGTGTCAA-3'
Protein context (NP_055771.4, residues 1394-1414): LQHSHSQVPE[Ala1404Val]GSTTFQGIIE